The following is an entry in ClinVar:

ClinVar aggregate classification (germline): Conflicting classifications of pathogenicity. Review status: criteria provided, conflicting classifications (1 of 4 stars). 4 submissions from 4 submitters: Uncertain significance (2); Likely benign (2). Last evaluated 2026-07-07.

Conditions:
Intellectual disability, autosomal dominant 16 (CSS4). Also called: COFFIN-SIRIS SYNDROME 4. Identifiers: Orphanet 1465, MedGen C3553249, MONDO:0013821, OMIM 614609.
Hereditary cancer-predisposing syndrome. Also called: Hereditary Cancer Syndrome; Hereditary neoplastic syndrome; Neoplastic Syndromes, Hereditary; Tumor predisposition. Identifiers: Orphanet 140162, MedGen C0027672, MeSH D009386, MONDO:0015356.
Rhabdoid tumor predisposition syndrome 2 (RTPS2). Identifiers: Orphanet 231108, Orphanet 69077, MedGen C2750074, MONDO:0013224, OMIM 613325.

Allele frequency attached by ClinVar (database versions not stated): ExAC 0.00002.
gnomAD v4.1: 25 of 1,614,108 alleles (0.0015%); highest among the groups gnomAD compares: Non-Finnish European, 0.0019%; no homozygotes.

Submissions (4):

Myriad Genetics, Inc.
Classification: Likely benign for Rhabdoid tumor predisposition syndrome 2. Last evaluated: 2026-07-07. Review status: criteria provided, single submitter. Criteria: Myriad Autosomal Dominant, Autosomal Recessive and X-Linked Classification Criteria (2023). Collection method: clinical testing. Allele origin: unknown.
Comment: This variant is considered likely benign. This variant has been observed at a population frequency that is significantly greater than expected given the associated disease prevalence and penetrance.

Labcorp Genetics (formerly Invitae), Labcorp
Classification: Uncertain significance for Rhabdoid tumor predisposition syndrome 2. Last evaluated: 2025-07-20. Review status: criteria provided, single submitter. Criteria: Invitae Variant Classification Sherloc (09022015). Collection method: clinical testing. Allele origin: germline.
Comment: This sequence change replaces proline, which is neutral and non-polar, with leucine, which is neutral and non-polar, at codon 601 of the SMARCA4 protein (p.Pro601Leu). This variant is present in population databases (rs777544121, gnomAD 0.004%). This variant has not been reported in the literature in individuals affected with SMARCA4-related conditions. ClinVar contains an entry for this variant (Variation ID: 470260). Invitae Evidence Modeling of protein sequence and biophysical properties (such as structural, functional, and spatial information, amino acid conservation, physicochemical variation, residue mobility, and thermodynamic stability) indicates that this missense variant is not expected to disrupt SMARCA4 protein function with a negative predictive value of 95%. In summary, the available evidence is currently insufficient to determine the role of this variant in disease. Therefore, it has been classified as a Variant of Uncertain Significance.

Ambry Genetics
Classification: Likely benign for Hereditary cancer-predisposing syndrome. Last evaluated: 2022-11-30. Review status: criteria provided, single submitter. Criteria: Ambry Variant Classification Scheme 2023. Collection method: clinical testing. Allele origin: germline.

Genome-Nilou Lab
Classification: Uncertain significance for Intellectual disability, autosomal dominant 16. Last evaluated: 2021-07-15. Review status: criteria provided, single submitter. Criteria: ACMG Guidelines, 2015. Collection method: clinical testing. Allele origin: germline. Affected: no.

NM_003072.5(SMARCA4):c.1802C>T (p.Pro601Leu)

Gene: SMARCA4 (SWI/SNF related BAF chromatin remodeling complex subunit ATPase 4; plus strand). Cytogenetic location: 19p13.2.
Variant type: single nucleotide variant.
Coding change: c.1802C>T on transcript NM_003072.5 (MANE Select); coding-DNA position 1802, C replaced by T.
Protein change: p.Pro601Leu; replaces proline 601 with leucine.
Molecular consequence: missense variant. On other transcripts: non-coding transcript variant (1).
Genome position (GRCh38, 1-based): chr19:10,996,534, C>T. VCF-style: chr19-10996534-C-T. GRCh37 (hg19) VCF-style: chr19-11107210-C-T.
Other names: c.1802C>T, p.Pro601Leu (NM_001128844.3, NM_001128845.2, NM_001128846.2 and 5 more transcripts); short protein forms P601L.
Identifiers: ClinVar variation 470260 (VCV000470260.16), dbSNP rs777544121, ClinGen allele CA9203896.
Genomic context (GRCh38, chr19:10,996,534, plus strand): 5'-GTGTCTCTCTCTATTTCCAGAAGGCAGAAAATGCAGAAGGACAGACGCCTGCCATTGGGC[C>T]GGATGGCGAGGTGAGGAAGCAGGGTTTCTTGTGGAAGTATCAAGCTAGCCCTAAGGCGTT-3'
Protein context (NP_003063.2, residues 591-611): NAEGQTPAIG[Pro601Leu]DGEPLDETSQ